The following is an entry in ClinVar:

NM_001204.7(BMPR2):c.884C>T (p.Thr295Ile)

Gene: BMPR2 (bone morphogenetic protein receptor type 2; plus strand). Cytogenetic location: 2q33.2.
Variant type: single nucleotide variant.
Coding change: c.884C>T on transcript NM_001204.7 (MANE Select); coding-DNA position 884, C replaced by T.
Protein change: p.Thr295Ile; replaces threonine 295 with isoleucine.
Molecular consequence: missense variant.
Genome position (GRCh38, 1-based): chr2:202,520,118, C>T. VCF-style: chr2-202520118-C-T. GRCh37 (hg19) VCF-style: chr2-203384841-C-T.
Other names: short protein forms T295I.
Identifiers: ClinVar variation 4214519 (VCV004214519.1).
Genomic context (GRCh38, chr2:202,520,118, plus strand): 5'-TTTTTTTTCGCATTTTTTCCTCTATATAGGGATCTTTATGCAAGTATTTAAGTCTCCACA[C>T]AAGTGACTGGGTAAGCTCTTGCCGTCTTGCTCATTCTGTTACTAGAGGACTGGCTTATCT-3'
Protein context (NP_001195.2, residues 285-305): GSLCKYLSLH[Thr295Ile]SDWVSSCRLA

ClinVar aggregate classification (germline): Uncertain significance (1 of 4 stars; one submission).

Conditions:
Inborn genetic diseases. Identifiers: MedGen C0950123, MeSH D030342.

gnomAD v4.1: 4 of 1,612,580 alleles (0.00025%); highest among the groups gnomAD compares: Non-Finnish European, 0.00034%; no homozygotes.

Submission:

Ambry Genetics
Classification: Uncertain significance for Inborn genetic diseases. Last evaluated: 2025-08-20. Review status: criteria provided, single submitter. Criteria: Ambry Variant Classification Scheme 2023. Collection method: clinical testing. Allele origin: germline.
Comment: The p.T295I variant (also known as c.884C>T), located in coding exon 7 of the BMPR2 gene, results from a C to T substitution at nucleotide position 884. The threonine at codon 295 is replaced by isoleucine, an amino acid with similar properties. This amino acid position is conserved. In addition, the in silico prediction for this alteration is inconclusive. Based on the available evidence, the clinical significance of this variant remains unclear.